The following is an entry in ClinVar:

NM_052874.5(STX1B):c.*9C>G

Gene: STX1B (syntaxin 1B; minus strand). Cytogenetic location: 16p11.2.
Variant type: single nucleotide variant.
Coding change: c.*9C>G on transcript NM_052874.5 (MANE Select); 9 bases downstream of the stop codon, C replaced by G.
Molecular consequence: 3 prime UTR variant.
Genome position (GRCh38, 1-based): chr16:30,992,812, G>C on the plus strand (C>G on the coding strand, the complement: STX1B is on the minus strand). VCF-style: chr16-30992812-G-C. GRCh37 (hg19) VCF-style: chr16-31004133-G-C.
Identifiers: ClinVar variation 1033022 (VCV001033022.1), dbSNP rs78690970, ClinGen allele CA621867087.
Genomic context (GRCh38, chr16:30,992,812, plus strand): 5'-AGGGGTGGTGGGGGTATTGCTCCCGATGTGGTGGGGGAAGGGTCTGGGAGAGAGAAGGGT[G>C]GGGGGGGCCTACAAGCCCAGCGTCCCCCCAATGGATGACGCCAAGACCACCCCCAGCACC-3'

ClinVar aggregate classification (germline): Uncertain significance (1 of 4 stars; one submission).

Conditions:
Generalized epilepsy with febrile seizures plus, type 9 (GEFSP9). Also called: GEFS+, TYPE 9. Identifiers: Orphanet 36387, MedGen C4015395, MONDO:0014517, OMIM 616172.

gnomAD v4.1: 13 of 1,566,738 alleles (0.00083%); highest among the groups gnomAD compares: African/African-American, 0.0027%; no homozygotes.

Submission:

Baylor Genetics
Classification: Uncertain significance for Generalized epilepsy with febrile seizures plus, type 9. Last evaluated: 2018-10-16. Review status: criteria provided, single submitter. Criteria: ACMG Guidelines, 2015. Collection method: clinical testing. Allele origin: unknown. Affected: yes.
Comment: This variant was determined to be of uncertain significance according to ACMG Guidelines, 2015 [PMID:25741868].